The following is an entry in ClinVar:

NM_000038.6(APC):c.3692T>G (p.Leu1231Arg)

Gene: APC (APC regulator of Wnt signaling pathway; plus strand). Cytogenetic location: 5q22.2.
Variant type: single nucleotide variant.
Coding change: c.3692T>G on transcript NM_000038.6 (MANE Select); coding-DNA position 3692, T replaced by G.
Protein change: p.Leu1231Arg; replaces leucine 1231 with arginine.
Molecular consequence: missense variant. On other transcripts: non-coding transcript variant (2).
Genome position (GRCh38, 1-based): chr5:112,839,286, T>G. VCF-style: chr5-112839286-T-G. GRCh37 (hg19) VCF-style: chr5-112174983-T-G.
Other names: c.3662T>G, p.Leu1221Arg (NM_001407452.1); c.3515T>G, p.Leu1172Arg (NM_001407453.1, NM_001354901.2); c.3443T>G, p.Leu1148Arg (NM_001407454.1, NM_001407455.1, NM_001407456.1 and 1 more transcripts); c.3389T>G, p.Leu1130Arg (NM_001407458.1, NM_001407459.1, NM_001407460.1 and 1 more transcripts); c.3305T>G, p.Leu1102Arg (NM_001407467.1, NM_001407469.1); c.2843T>G, p.Leu948Arg (NM_001407470.1, NM_001354906.2); c.2540T>G, p.Leu847Arg (NM_001407471.1, NM_001407472.1); c.3692T>G, p.Leu1231Arg (NM_001354895.2, NM_001407450.1, NM_001127510.3); and 11 more; short protein forms L1102R, L1130R, L1213R, L1221R, L1241R, L1249R, L847R, L1105R.
Identifiers: ClinVar variation 5024874 (VCV005024874.1).

ClinVar aggregate classification (germline): Uncertain significance (1 of 4 stars; one submission).

Conditions:
Hereditary cancer-predisposing syndrome. Also called: Neoplastic Syndromes, Hereditary; Tumor predisposition; Hereditary neoplastic syndrome; Hereditary Cancer Syndrome. Identifiers: Orphanet 140162, MedGen C0027672, MeSH D009386, MONDO:0015356.

Submission:

Ambry Genetics
Classification: Uncertain significance for Hereditary cancer-predisposing syndrome. Last evaluated: 2026-07-02. Review status: criteria provided, single submitter. Criteria: Ambry Variant Classification Scheme 2023. Collection method: clinical testing. Allele origin: germline.
Comment: The p.L1231R variant (also known as c.3692T>G), located in coding exon 15 of the APC gene, results from a T to G substitution at nucleotide position 3692. The leucine at codon 1231 is replaced by arginine, an amino acid with dissimilar properties. This amino acid position is conserved. In addition, in silico predictors for this gene do not accurately predict pathogenicity. Based on the available evidence, the clinical significance of this variant remains unclear.